The following is an entry in ClinVar:

ClinVar aggregate classification (germline): Benign/Likely benign. Review status: criteria provided, multiple submitters, no conflicts (2 of 4 stars). 3 submissions from 3 submitters: Benign (2); Likely benign (1). Last evaluated 2026-01-19.

Conditions:
Dilated cardiomyopathy 1JJ (CMD1JJ). Identifiers: Orphanet 154, MedGen C3808935, MONDO:0014095, OMIM 615235.

Allele frequency attached by ClinVar (database versions not stated): TOPMed 0.00009; ExAC 0.00023; gnomAD exomes 0.00032 and 0.00008; gnomAD 0.00006.
gnomAD v4.1: 118 of 1,612,018 alleles (0.0073%); highest among the groups gnomAD compares: Admixed American, 0.16%; no homozygotes.

Submissions (3):

Labcorp Genetics (formerly Invitae), Labcorp
Classification: Benign for Dilated cardiomyopathy 1JJ. Last evaluated: 2026-01-19. Review status: criteria provided, single submitter. Criteria: Invitae Variant Classification Sherloc (09022015). Collection method: clinical testing. Allele origin: germline.

Fulgent Genetics
Classification: Likely benign for Dilated cardiomyopathy 1JJ. Last evaluated: 2021-10-22. Review status: criteria provided, single submitter. Criteria: ACMG Guidelines, 2015. Collection method: clinical testing. Allele origin: unknown.

GeneDx
Classification: Benign. Last evaluated: 2014-09-05. Review status: criteria provided, single submitter. Criteria: GeneDx Variant Classification (06012015). Collection method: clinical testing. Allele origin: germline. Affected: yes.
Comment: This variant is considered likely benign or benign based on one or more of the following criteria: it is a conservative change, it occurs at a poorly conserved position in the protein, it is predicted to be benign by multiple in silico algorithms, and/or has population frequency not consistent with disease.

NM_001105206.3(LAMA4):c.1551+8G>A

Gene: LAMA4 (laminin subunit alpha 4; minus strand). Cytogenetic location: 6q21.
Variant type: single nucleotide variant.
Coding change: c.1551+8G>A on transcript NM_001105206.3 (MANE Select); 8 bases into the intron after coding-DNA position 1551, G replaced by A.
Molecular consequence: intron variant.
Genome position (GRCh38, 1-based): chr6:112,172,603, C>T on the plus strand (G>A on the coding strand, the complement: LAMA4 is on the minus strand). VCF-style: chr6-112172603-C-T. GRCh37 (hg19) VCF-style: chr6-112493805-C-T.
Other names: c.1530+8G>A (NM_002290.5, NM_001105207.3).
Identifiers: ClinVar variation 213582 (VCV000213582.11), dbSNP rs782128294, ClinGen allele CA324808.